The following is an entry in ClinVar:

NM_000152.5(GAA):c.-317C>T

Genes: GAA (alpha glucosidase; plus strand), LOC130061897 (ATAC-STARR-seq lymphoblastoid silent region 9099; plus strand). Cytogenetic location: 17q25.3.
Variant type: single nucleotide variant.
Coding change: c.-317C>T on transcript NM_000152.5 (MANE Select); 317 bases upstream of the start codon, C replaced by T.
Molecular consequence: 5 prime UTR variant. On other transcripts: non-coding transcript variant (1).
Genome position (GRCh38, 1-based): chr17:80,101,606, C>T. VCF-style: chr17-80101606-C-T. GRCh37 (hg19) VCF-style: chr17-78075405-C-T.
Other names: c.-317C>T (LRG_673t1); c.-132C>T (NM_001079803.3); c.-52C>T (NM_001079804.3).
Identifiers: ClinVar variation 514097 (VCV000514097.1), dbSNP rs1033973716, ClinGen allele CA294884428.

ClinVar aggregate classification (germline): Likely benign (1 of 4 stars; one submission).

Allele frequency attached by ClinVar (database versions not stated): gnomAD 0.00007; TOPMed 0.00010.

Submission:

GeneDx
Classification: Likely benign. Last evaluated: 2017-12-11. Review status: criteria provided, single submitter. Criteria: GeneDx Variant Classification (06012015). Collection method: clinical testing. Allele origin: germline. Affected: yes.
Comment: This variant is considered likely benign or benign based on one or more of the following criteria: it is a conservative change, it occurs at a poorly conserved position in the protein, it is predicted to be benign by multiple in silico algorithms, and/or has population frequency not consistent with disease.